The following is an entry in ClinVar:

ClinVar aggregate classification (germline): Uncertain significance. Review status: criteria provided, multiple submitters, no conflicts (2 of 4 stars). 2 submissions from 2 submitters: Uncertain significance (2). Last evaluated 2025-05-02.

Conditions:
Charcot-Marie-Tooth disease type 2. Also called: Charcot-Marie-Tooth type 2. Identifiers: Orphanet 64746, MedGen C0270914, MONDO:0018993.

Allele frequency attached by ClinVar (database versions not stated): gnomAD exomes below 0.00001.
gnomAD v4.1: 4 of 1,614,122 alleles (0.00025%); highest among the groups gnomAD compares: Non-Finnish European, 0.00034%; no homozygotes.

Submissions (2):

Ambry Genetics
Classification: Uncertain significance. Last evaluated: 2025-05-02. Review status: criteria provided, single submitter. Criteria: Ambry Variant Classification Scheme 2023. Collection method: clinical testing. Allele origin: germline.
Comment: The p.Y1687C variant (also known as c.5060A>G), located in coding exon 44 of the KIF1B gene, results from an A to G substitution at nucleotide position 5060. The tyrosine at codon 1687 is replaced by cysteine, an amino acid with highly dissimilar properties. This amino acid position is conserved. In addition, this alteration is predicted to be deleterious by in silico analysis. Since supporting evidence is limited at this time, the clinical significance of this alteration remains unclear.

Labcorp Genetics (formerly Invitae), Labcorp
Classification: Uncertain significance for Charcot-Marie-Tooth disease type 2. Last evaluated: 2023-09-29. Review status: criteria provided, single submitter. Criteria: Invitae Variant Classification Sherloc (09022015). Collection method: clinical testing. Allele origin: germline.
Comment: This sequence change replaces tyrosine, which is neutral and polar, with cysteine, which is neutral and slightly polar, at codon 1687 of the KIF1B protein (p.Tyr1687Cys). This variant is not present in population databases (gnomAD no frequency). This variant has not been reported in the literature in individuals affected with KIF1B-related conditions. ClinVar contains an entry for this variant (Variation ID: 1745103). An algorithm developed to predict the effect of missense changes on protein structure and function (PolyPhen-2) suggests that this variant is likely to be disruptive. In summary, the available evidence is currently insufficient to determine the role of this variant in disease. Therefore, it has been classified as a Variant of Uncertain Significance.

NM_001365951.3(KIF1B):c.5198A>G (p.Tyr1733Cys)

Gene: KIF1B (kinesin family member 1B; plus strand). Cytogenetic location: 1p36.22.
Variant type: single nucleotide variant.
Coding change: c.5198A>G on transcript NM_001365951.3 (MANE Select); coding-DNA position 5198, A replaced by G.
Protein change: p.Tyr1733Cys; replaces tyrosine 1733 with cysteine.
Molecular consequence: missense variant.
Genome position (GRCh38, 1-based): chr1:10,374,955, A>G. VCF-style: chr1-10374955-A-G. GRCh37 (hg19) VCF-style: chr1-10435013-A-G.
Other names: c.5198A>G, p.Tyr1733Cys (NM_001365952.1); c.5060A>G, p.Tyr1687Cys (NM_015074.3); short protein forms Y1687C, Y1733C.
Identifiers: ClinVar variation 1745103 (VCV001745103.6), dbSNP rs950617876, ClinGen allele CA17856377.